The following is an entry in ClinVar:

ClinVar aggregate classification (germline): Uncertain significance (1 of 4 stars; one submission).

gnomAD v4.1: 1 of 1,571,330 alleles (0.000064%); highest among the groups gnomAD compares: Non-Finnish European, 0.000086%; no homozygotes.

Submission:

GeneDx
Classification: Uncertain significance. Last evaluated: 2020-01-06. Review status: criteria provided, single submitter. Criteria: GeneDx Variant Classification Process June 2021. Collection method: clinical testing. Allele origin: germline. Affected: yes.
Comment: Not observed in large population cohorts (Lek et al., 2016); In silico analysis, which includes protein predictors and evolutionary conservation, supports a deleterious effect; Has not been previously published as pathogenic or benign to our knowledge

NM_001853.4(COL9A3):c.1154G>T (p.Gly385Val)

Gene: COL9A3 (collagen type IX alpha 3 chain; plus strand). Cytogenetic location: 20q13.33.
Variant type: single nucleotide variant.
Coding change: c.1154G>T on transcript NM_001853.4 (MANE Select); coding-DNA position 1154, G replaced by T.
Protein change: p.Gly385Val; replaces glycine 385 with valine.
Molecular consequence: missense variant.
Genome position (GRCh38, 1-based): chr20:62,829,812, G>T. VCF-style: chr20-62829812-G-T. GRCh37 (hg19) VCF-style: chr20-61461164-G-T.
Other names: short protein forms G385V.
Identifiers: ClinVar variation 1311671 (VCV001311671.2), dbSNP rs777539454, ClinGen allele CA409593798.